The following is an entry in ClinVar:

NM_000443.4(ABCB4):c.56G>A (p.Gly19Asp)

Genes: ABCB4 (ATP binding cassette subfamily B member 4; minus strand), LOC129998756 (ATAC-STARR-seq lymphoblastoid silent region 18347; plus strand). Cytogenetic location: 7q21.12.
Variant type: single nucleotide variant.
Coding change: c.56G>A on transcript NM_000443.4 (MANE Select); coding-DNA position 56, G replaced by A.
Protein change: p.Gly19Asp; replaces glycine 19 with aspartic acid.
Molecular consequence: missense variant.
Genome position (GRCh38, 1-based): chr7:87,475,410, C>T on the plus strand (G>A on the coding strand, the complement: ABCB4 is on the minus strand). VCF-style: chr7-87475410-C-T. GRCh37 (hg19) VCF-style: chr7-87104726-C-T.
Other names: c.56G>A (NM_000443.3); c.56G>A, p.Gly19Asp (NM_018849.3, NM_018850.3); short protein forms G19D.
Identifiers: ClinVar variation 2752437 (VCV002752437.4), dbSNP rs369649919, ClinGen allele CA162111746.

ClinVar aggregate classification (germline): Uncertain significance. Review status: criteria provided, multiple submitters, no conflicts (2 of 4 stars). 2 submissions from 2 submitters: Uncertain significance (2). Last evaluated 2025-12-26.

Conditions:
ABCB4-related disorder. Also called: ABCB4-related disorders; ABCB4-related condition.

Allele frequency attached by ClinVar (database versions not stated): gnomAD 0.00001; TOPMed 0.00002.
gnomAD v4.1: 4 of 1,614,246 alleles (0.00025%); highest among the groups gnomAD compares: Admixed American, 0.0017%; no homozygotes.

Submissions (2):

PreventionGenetics, part of Exact Sciences
Classification: Uncertain significance for ABCB4-related condition. Last evaluated: 2025-12-26. Review status: criteria provided, single submitter. Criteria: ACMG Guidelines, 2015. Collection method: clinical testing. Allele origin: germline.
Comment: The ABCB4 c.56G>A variant is predicted to result in the amino acid substitution p.Gly19Asp. To our knowledge, this variant has not been reported in the literature or in a large population database (gnomAD), indicating this variant is rare. At this time, the clinical significance of this variant is uncertain due to the absence of conclusive functional and genetic evidence.

Labcorp Genetics (formerly Invitae), Labcorp
Classification: Uncertain significance. Last evaluated: 2022-11-23. Review status: criteria provided, single submitter. Criteria: Invitae Variant Classification Sherloc (09022015). Collection method: clinical testing. Allele origin: germline.
Comment: This sequence change replaces glycine, which is neutral and non-polar, with aspartic acid, which is acidic and polar, at codon 19 of the ABCB4 protein (p.Gly19Asp). This variant is not present in population databases (gnomAD no frequency). This variant has not been reported in the literature in individuals affected with ABCB4-related conditions. Algorithms developed to predict the effect of missense changes on protein structure and function output the following: SIFT: "Tolerated"; PolyPhen-2: "Benign"; Align-GVGD: "Class C0". The aspartic acid amino acid residue is found in multiple mammalian species, which suggests that this missense change does not adversely affect protein function. In summary, the available evidence is currently insufficient to determine the role of this variant in disease. Therefore, it has been classified as a Variant of Uncertain Significance.